The following is an entry in ClinVar:

NM_001290268.2(RIPOR3):c.67G>A (p.Val23Met)

Gene: RIPOR3 (RIPOR family member 3; minus strand). Cytogenetic location: 20q13.13.
Variant type: single nucleotide variant.
Coding change: c.67G>A on transcript NM_001290268.2 (MANE Select); coding-DNA position 67, G replaced by A.
Protein change: p.Val23Met; replaces valine 23 with methionine.
Molecular consequence: missense variant. On other transcripts: non-coding transcript variant (1).
Genome position (GRCh38, 1-based): chr20:50,630,793, C>T on the plus strand (G>A on the coding strand, the complement: RIPOR3 is on the minus strand). VCF-style: chr20-50630793-C-T. GRCh37 (hg19) VCF-style: chr20-49247330-C-T.
Other names: c.55G>A, p.Val19Met (NM_080829.4); short protein forms V19M, V23M.
Identifiers: ClinVar variation 161799 (VCV000161799.5), dbSNP rs141033220, ClinGen allele CA174806.

ClinVar aggregate classification (germline): Uncertain significance. Review status: criteria provided, single submitter (1 of 4 stars). 2 submissions from 2 submitters: Uncertain significance (1). 1 of the submissions does not count toward it. Last evaluated 2025-09-26.

Conditions:
Prostate cancer. Also called: Malignant tumor of prostate. Identifiers: Orphanet 1331, MedGen C0376358, MONDO:0008315, HP:0012125.

Allele frequency attached by ClinVar (database versions not stated): TOPMed 0.00031; gnomAD exomes 0.00032 and 0.00083; ExAC 0.00041; gnomAD 0.00039 and 0.00035; ESP Exome Variant Server 0.00100.
gnomAD v4.1: 1,238 of 1,612,010 alleles (0.077%); highest among the groups gnomAD compares: Non-Finnish European, 0.1%; no homozygotes.

Submissions (2):

Ambry Genetics
Classification: Uncertain significance. Last evaluated: 2025-09-26. Review status: criteria provided, single submitter. Criteria: Ambry Variant Classification Scheme 2023. Collection method: clinical testing. Allele origin: germline.

Science for Life laboratory,  Karolinska Institutet
Classification: Uncertain significance for Malignant tumor of prostate. Review status: no assertion criteria provided. Collection method: not provided. Allele origin: somatic. Not counted in ClinVar's aggregate classification.
Comment: TumorID:SWE-2
ClinVar note: Converted during submission from Unknown to Uncertain significance.